The following is an entry in ClinVar:

NM_001161352.2(KCNMA1):c.3587C>T (p.Ser1196Leu)

Gene: KCNMA1 (potassium calcium-activated channel subfamily M alpha 1; minus strand). Cytogenetic location: 10q22.3.
Variant type: single nucleotide variant.
Coding change: c.3587C>T on transcript NM_001161352.2 (MANE Select); coding-DNA position 3587, C replaced by T.
Protein change: p.Ser1196Leu; replaces serine 1196 with leucine.
Molecular consequence: missense variant.
Genome position (GRCh38, 1-based): chr10:76,887,390, G>A on the plus strand (C>T on the coding strand, the complement: KCNMA1 is on the minus strand). VCF-style: chr10-76887390-G-A. GRCh37 (hg19) VCF-style: chr10-78647148-G-A.
Other names: c.3425C>T, p.Ser1142Leu (NM_001014797.3); c.3536C>T, p.Ser1179Leu (NM_001161353.2); c.3263C>T, p.Ser1088Leu (NM_001271518.2); c.3503C>T, p.Ser1168Leu (NM_001271519.2); c.3422C>T, p.Ser1141Leu (NM_001322829.2, NM_001322836.2); c.3515C>T, p.Ser1172Leu (NM_001322830.2); c.3413C>T, p.Ser1138Leu (NM_001322832.2, NM_001410940.1, NM_002247.4); c.3506C>T, p.Ser1169Leu (NM_001322835.2, NM_001322837.2); and 1 more; short protein forms S1142L, S987L, S1088L, S1168L, S1196L, S1141L, S1169L, S1172L.
Identifiers: ClinVar variation 2185509 (VCV002185509.5), dbSNP rs754602276, ClinGen allele CA5567806.

ClinVar aggregate classification (germline): Uncertain significance. Review status: criteria provided, multiple submitters, no conflicts (2 of 4 stars). 2 submissions from 2 submitters: Uncertain significance (2). Last evaluated 2022-09-24.

Conditions:
Generalized epilepsy-paroxysmal dyskinesia syndrome (PNKD3). Also called: Generalized epilepsy and paroxysmal dyskinesia; Paroxysmal nonkinesigenic dyskinesia, 3, with or without generalized epilepsy. Identifiers: Orphanet 79137, MedGen C5574945, MONDO:0012276, OMIM 609446.

Allele frequency attached by ClinVar (database versions not stated): TOPMed below 0.00001; gnomAD 0.00001; gnomAD exomes 0.00001; ExAC 0.00003.
gnomAD v4.1: 8 of 1,614,132 alleles (0.0005%); highest among the groups gnomAD compares: South Asian, 0.0055%; no homozygotes.

Submissions (2):

Labcorp Genetics (formerly Invitae), Labcorp
Classification: Uncertain significance for Generalized epilepsy-paroxysmal dyskinesia syndrome. Last evaluated: 2022-09-24. Review status: criteria provided, single submitter. Criteria: Invitae Variant Classification Sherloc (09022015). Collection method: clinical testing. Allele origin: germline.
Comment: This variant has not been reported in the literature in individuals affected with KCNMA1-related conditions. This sequence change replaces serine, which is neutral and polar, with leucine, which is neutral and non-polar, at codon 1138 of the KCNMA1 protein (p.Ser1138Leu). This variant is present in population databases (rs754602276, gnomAD 0.01%). Algorithms developed to predict the effect of missense changes on protein structure and function are either unavailable or do not agree on the potential impact of this missense change (SIFT: "Deleterious"; PolyPhen-2: "Probably Damaging"; Align-GVGD: "Class C0"). In summary, the available evidence is currently insufficient to determine the role of this variant in disease. Therefore, it has been classified as a Variant of Uncertain Significance.

Dr. med. U. Finckh, Human Genetics, Eurofins MVZ
Classification: Uncertain significance for Generalized epilepsy-paroxysmal dyskinesia syndrome. Review status: criteria provided, single submitter. Criteria: ACMG Guidelines, 2015. Collection method: clinical testing. Allele origin: unknown.